The following is an entry in ClinVar:

ClinVar aggregate classification (germline): Pathogenic/Likely pathogenic. Review status: criteria provided, multiple submitters, no conflicts (2 of 4 stars). 6 submissions from 6 submitters: Pathogenic (4); Likely pathogenic (2). Last evaluated 2025-09-16.

Conditions:
Hermansky-Pudlak syndrome (HPS). Also called: ALBINISM WITH HEMORRHAGIC DIATHESIS AND PIGMENTED RETICULOENDOTHELIAL CELLS. Identifiers: Orphanet 79430, MedGen C0079504, MONDO:0019312.
Hermansky-Pudlak syndrome 1 (HPS1). Also called: DELTA STORAGE POOL DISEASE. Identifiers: Orphanet 231500, Orphanet 79430, MedGen C2931875, MONDO:0008748, OMIM 203300.
HPS1-related disorders.

Allele frequency attached by ClinVar (database versions not stated): gnomAD 0.00002; gnomAD exomes 0.00002; TOPMed 0.00002.

Submissions (6):

Natera, Inc.
Classification: Pathogenic for Hermansky-Pudlak syndrome. Last evaluated: 2025-09-16. Review status: criteria provided, single submitter. Criteria: Natera Variant Classification Schema (03/2026). Collection method: clinical testing. Allele origin: germline.
Comment: The c.716T>C variant in HPS1 is a missense variant predicted to cause substitution of leucine to proline at amino acid 239. This variant is rare in the general population with a frequency below the threshold expected for the associated phenotype(s). This variant has been observed in one or more individuals affected with the associated recessive disease, as either homozygous or compound heterozygous with a second variant (PMID: 29345414, 12442288). Additionally, this variant has been observed to segregate in affected family members (PMID: 12442288). Computational prediction algorithms indicate this variant is likely to affect gene or protein function. Given the available evidence, this variant is classified as Pathogenic.

Broad Center for Mendelian Genomics, Broad Institute of MIT and Harvard
Classification: Likely pathogenic for Hermansky-Pudlak syndrome. Last evaluated: 2025-04-30. Review status: criteria provided, single submitter. Criteria: ACMG Guidelines, 2015. Collection method: curation. Allele origin: germline. Inheritance: Autosomal recessive inheritance.
Comment: The p.Leu239Pro variant in HPS1 has been reported in 3 individuals with Hermansky-Pudlak syndrome (PMID: 12442288, 29345414), and has been identified in 0.003% (30/1149276) of European (non-Finnish) chromosomes by the Genome Aggregation Database (gnomAD; dbSNP ID: rs281865080). Although this variant has been seen in the general population in a heterozygous state, its frequency is low enough to be consistent with a recessive carrier frequency. This variant has also been reported in ClinVar (VCV001452567.7) and has been interpreted as likely pathogenic by Women's Health and Genetics/Laboratory Corporation of America, Baylor Genetics, and Labcorp (Formerly Invitae). Of the 3 affected individuals, at least 2 were compound heterozygotes that carried a likely pathogenic/pathogenic variant in trans (PMID: 12442288, 29345414), which increases the likelihood that the p.Leu239Pro variant is pathogenic. Computational prediction tools and conservation analyses suggest that this variant may impact the protein, though this information is not predictive enough to determine pathogenicity. In summary, although additional studies are required to fully establish its clinical significance, this variant is likely pathogenic for autosomal recessive Hermansky-Pudlak syndrome. ACMG/AMP Criteria applied: PM3_strong, PM2_supporting, PP3 (Richards 2015).

Myriad Genetics, Inc.
Classification: Likely pathogenic for Hermansky-Pudlak syndrome 1. Last evaluated: 2025-04-07. Review status: criteria provided, single submitter. Criteria: Myriad Autosomal Dominant, Autosomal Recessive and X-Linked Classification Criteria (2023). Collection method: clinical testing. Allele origin: unknown.
Comment: NM_000195.3(HPS1):c.716T>C(L239P) is a missense variant classified as likely pathogenic in the context of Hermansky-Pudlak syndrome, HPS1-related. L239P has been observed in cases with relevant disease (PMID: 29345414, 20456745, 12442288). Relevant functional assessments of this variant are not available in the literature. L239P has been observed in referenced population frequency databases. In summary, NM_000195.3(HPS1):c.716T>C(L239P) is a missense variant that has been observed more frequently in cases with the relevant disease than in healthy populations. Please note: this variant was assessed in the context of healthy population screening.

Women's Health and Genetics/Laboratory Corporation of America, LabCorp
Classification: Pathogenic for Hermansky-Pudlak syndrome. Last evaluated: 2024-07-03. Review status: criteria provided, single submitter. Criteria: LabCorp Variant Classification Summary - May 2015. Collection method: clinical testing. Allele origin: germline.
Comment: Variant summary: HPS1 c.716T>C (p.Leu239Pro) results in a non-conservative amino acid change located in the FUZ/MON1/HPS1, second Longin domain (IPR043971) of the encoded protein sequence. Four of five in-silico tools predict a damaging effect of the variant on protein function. The frequency data for this variant in gnomAD is considered unreliable, as metrics indicate poor data quality at this position. c.716T>C has been reported in the literature in multiple individuals affected with Hermansky-Pudlak Syndrome or Inherited albinism (example, Lasseaux_2017, Hermos_2002). These data indicate that the variant is very likely to be associated with disease. To our knowledge, no experimental evidence demonstrating an impact on protein function has been reported. The following publications have been ascertained in the context of this evaluation (PMID: 31589614, 12442288, 29345414). ClinVar contains an entry for this variant (Variation ID: 1452567). Based on the evidence outlined above, the variant was classified as pathogenic.

Labcorp Genetics (formerly Invitae), Labcorp
Classification: Pathogenic. Last evaluated: 2024-01-30. Review status: criteria provided, single submitter. Criteria: Invitae Variant Classification Sherloc (09022015). Collection method: clinical testing. Allele origin: germline.
Comment: This sequence change replaces leucine, which is neutral and non-polar, with proline, which is neutral and non-polar, at codon 239 of the HPS1 protein (p.Leu239Pro). This variant is not present in population databases (gnomAD no frequency). This missense change has been observed in individual(s) with Hermansky-Pudlak syndrome and/or ocular albinism (PMID: 12442288, 29345414). In at least one individual the data is consistent with being in trans (on the opposite chromosome) from a pathogenic variant. It has also been observed to segregate with disease in related individuals. This variant is also known as c.922T>C. ClinVar contains an entry for this variant (Variation ID: 1452567). Advanced modeling of protein sequence and biophysical properties (such as structural, functional, and spatial information, amino acid conservation, physicochemical variation, residue mobility, and thermodynamic stability) performed at Invitae indicates that this missense variant is expected to disrupt HPS1 protein function with a positive predictive value of 80%. For these reasons, this variant has been classified as Pathogenic.

Blueprint Genetics
Classification: Pathogenic for HPS1-related disorders. Last evaluated: 2022-12-20. Review status: criteria provided, single submitter. Criteria: ACMG Guidelines, 2015. Collection method: clinical testing. Allele origin: germline. Affected: yes. Observed: 5 variant alleles.

Literature cited by the submitters: PubMed 29345414 (cited by 5 submitters); PubMed 12442288 (cited by 5 submitters); PubMed 20456745 (cited by Myriad Genetics, Inc.); PubMed 31589614 (cited by Women's Health and Genetics/Laboratory Corporation of America, LabCorp).

NM_000195.5(HPS1):c.716T>C (p.Leu239Pro)

Gene: HPS1 (HPS1 biogenesis of lysosomal organelles complex 3 subunit 1; minus strand). Cytogenetic location: 10q24.2.
Variant type: single nucleotide variant.
Coding change: c.716T>C on transcript NM_000195.5 (MANE Select); coding-DNA position 716, T replaced by C.
Protein change: p.Leu239Pro; replaces leucine 239 with proline.
Molecular consequence: missense variant. On other transcripts: 5 prime UTR variant (3).
Genome position (GRCh38, 1-based): chr10:98,430,623, A>G on the plus strand (T>C on the coding strand, the complement: HPS1 is on the minus strand). VCF-style: chr10-98430623-A-G. GRCh37 (hg19) VCF-style: chr10-100190380-A-G.
Other names: NM_000195.5(HPS1):c.716T>C; p.Leu239Pro; c.-158T>C (NM_001311345.2, NM_001322489.2); c.716T>C, p.Leu239Pro (NM_001322476.2, NM_001322477.2, NM_001322478.2 and 3 more transcripts); c.455T>C, p.Leu152Pro (NM_001322480.2, NM_001322481.2, NM_001322482.2); c.347T>C, p.Leu116Pro (NM_001322483.2, NM_001322484.2, NM_001322485.2); c.-257T>C (NM_001322487.2); c.598T>C, p.Ser200Pro (NM_001322490.2, NM_001322492.2); and 1 more; short protein forms L239P, L152P, S200P, L116P.
Identifiers: ClinVar variation 1452567 (VCV001452567.13), dbSNP rs281865080, ClinGen allele CA341638.